The following is an entry in ClinVar:

ClinVar aggregate classification (germline): Conflicting classifications of pathogenicity. Review status: criteria provided, conflicting classifications (1 of 4 stars). 3 submissions from 3 submitters: Pathogenic (2); Uncertain significance (1). Last evaluated 2026-07-10.

Conditions:
Colorectal cancer, hereditary nonpolyposis, type 7. Identifiers: Orphanet 144, MedGen C1858380, MONDO:0013725, OMIM 614385.

Submissions (3):

Myriad Genetics, Inc.
Classification: Pathogenic for Colorectal cancer, hereditary nonpolyposis, type 7. Last evaluated: 2026-07-10. Review status: criteria provided, single submitter. Criteria: Myriad Autosomal Dominant, Autosomal Recessive and X-Linked Classification Criteria (2023). Collection method: clinical testing. Allele origin: unknown.
Comment: This variant is considered pathogenic. This variant creates a frameshift predicted to result in premature protein truncation.

Ambry Genetics
Classification: Pathogenic. Last evaluated: 2026-06-03. Review status: criteria provided, single submitter. Criteria: Ambry Variant Classification Scheme 2023. Collection method: clinical testing. Allele origin: germline.
Comment: The c.2115_2118delAACA variant, located in coding exon 1 of the MLH3 gene, results from a deletion of 4 nucleotides at nucleotide positions 2115 to 2118, causing a translational frameshift with a predicted alternate stop codon (p.T706Ifs*27). This variant is considered to be rare based on population cohorts in the Genome Aggregation Database (gnomAD). This alteration is expected to result in loss of function by premature protein truncation or nonsense-mediated mRNA decay. As such, this alteration is interpreted as a disease-causing mutation.

Labcorp Genetics (formerly Invitae), Labcorp
Classification: Uncertain significance for Colorectal cancer, hereditary nonpolyposis, type 7. Last evaluated: 2024-09-28. Review status: criteria provided, single submitter. Criteria: Invitae Variant Classification Sherloc (09022015). Collection method: clinical testing. Allele origin: germline.
Comment: This sequence change creates a premature translational stop signal (p.Thr706Ilefs*27) in the MLH3 gene. It is expected to result in an absent or disrupted protein product. However, the current clinical and genetic evidence is not sufficient to establish whether loss-of-function variants in MLH3 cause disease. This variant is present in population databases (rs759727553, gnomAD 0.003%). This variant has not been reported in the literature in individuals affected with MLH3-related conditions. In summary, the available evidence is currently insufficient to determine the role of this variant in disease. Therefore, it has been classified as a Variant of Uncertain Significance.

NM_001040108.2(MLH3):c.2115_2118del (p.Thr706fs)

Gene: MLH3 (mutL homolog 3; minus strand). Cytogenetic location: 14q24.3.
Variant type: Deletion.
Coding change: c.2115_2118del on transcript NM_001040108.2 (MANE Select); coding-DNA positions 2115 to 2118, 4 bases deleted (AACA; older notation c.2115_2118delAACA).
Protein change: p.Thr706fs; shifts the reading frame from threonine 706.
Molecular consequence: frameshift variant.
Genome position (GRCh38, 1-based): chr14:75,047,538-75,047,541, TGTT deleted on the plus strand (AACA on the coding strand, the reverse complement: MLH3 is on the minus strand); deleting any 4 consecutive bases within chr14:75,047,538-75,047,544 gives the same sequence; the c. name uses the placement nearest the transcript's 3' end. VCF-style (leftmost placement, unchanged base first): chr14-75047537-CTGTT-C. GRCh37 (hg19) VCF-style: chr14-75514240-CTGTT-C.
Other names: c.2115_2118delAACA (NM_001040108.1); c.2115_2118del, p.Thr706fs (NM_014381.3); short protein forms T706fs.
Identifiers: ClinVar variation 3295073 (VCV003295073.5).
Genomic context (GRCh38, chr14:75,047,537, plus strand): 5'-TATCATTGGAAACGTGTCTATACCAGGGGAAAGAGGGGGATGTATCAGATAATATGCAAT[CTGTT>C]TGTGATTTTTTGCTACCTTCCTGAAAAGCAGAAAACATTGTATAAGTTGCTGTAGGTTCA-3'